The following is an entry in ClinVar:

ClinVar aggregate classification (germline): Uncertain significance. Review status: criteria provided, multiple submitters, no conflicts (2 of 4 stars). 2 submissions from 2 submitters: Uncertain significance (2). Last evaluated 2022-08-22.

Conditions:
Muscular dystrophy-dystroglycanopathy (congenital with brain and eye anomalies), type A9. Also called: Muscular dystrophy-dystroglycanopathy (congenital with brain and eye anomalies), type a, 9; WALKER-WARBURG SYNDROME OR MUSCLE-EYE BRAIN DISEASE, DAG1-RELATED. Identifiers: Orphanet 370997, Orphanet 899, MedGen C4225291, MONDO:0014683, OMIM 616538.
Autosomal recessive limb-girdle muscular dystrophy type 2P. Also called: MUSCULAR DYSTROPHY-DYSTROGLYCANOPATHY, LIMB-GIRDLE, DAG1-RELATED; Limb-Girdle Muscular Dystrophy Type 9C; MUSCULAR DYSTROPHY, LIMB-GIRDLE, TYPE 2P. Identifiers: Orphanet 280333, MedGen C4511963, MONDO:0013440, OMIM 613818.
Inborn genetic diseases. Identifiers: MedGen C0950123, MeSH D030342.

Allele frequency attached by ClinVar (database versions not stated): TOPMed below 0.00001; gnomAD 0.00003.
gnomAD v4.1: 6 of 1,613,710 alleles (0.00037%); highest among the groups gnomAD compares: South Asian, 0.0011%; no homozygotes.

Submissions (2):

Labcorp Genetics (formerly Invitae), Labcorp
Classification: Uncertain significance for Autosomal recessive limb-girdle muscular dystrophy type 2P; Muscular dystrophy-dystroglycanopathy (congenital with brain and eye anomalies), type A9. Last evaluated: 2022-08-22. Review status: criteria provided, single submitter. Criteria: Invitae Variant Classification Sherloc (09022015). Collection method: clinical testing. Allele origin: germline.
Comment: This sequence change replaces alanine, which is neutral and non-polar, with threonine, which is neutral and polar, at codon 675 of the DAG1 protein (p.Ala675Thr). This variant is present in population databases (rs764063699, gnomAD 0.004%). This variant has not been reported in the literature in individuals affected with DAG1-related conditions. ClinVar contains an entry for this variant (Variation ID: 661282). Algorithms developed to predict the effect of missense changes on protein structure and function output the following: SIFT: "Tolerated"; PolyPhen-2: "Benign"; Align-GVGD: "Class C0". The threonine amino acid residue is found in multiple mammalian species, which suggests that this missense change does not adversely affect protein function. In summary, the available evidence is currently insufficient to determine the role of this variant in disease. Therefore, it has been classified as a Variant of Uncertain Significance.

Ambry Genetics
Classification: Uncertain significance for Inborn genetic diseases. Last evaluated: 2021-01-27. Review status: criteria provided, single submitter. Criteria: Ambry Variant Classification Scheme 2023. Collection method: clinical testing. Allele origin: germline.
Comment: The c.2023G>A (p.A675T) alteration is located in exon 3 (coding exon 2) of the DAG1 gene. This alteration results from a G to A substitution at nucleotide position 2023, causing the alanine (A) at amino acid position 675 to be replaced by a threonine (T). The p.A675T alteration is predicted to be tolerated by in silico analysis. Based on insufficient or conflicting evidence, the clinical significance of this alteration remains unclear.

NM_004393.6(DAG1):c.2023G>A (p.Ala675Thr)

Gene: DAG1 (dystroglycan 1; plus strand). Cytogenetic location: 3p21.31.
Variant type: single nucleotide variant.
Coding change: c.2023G>A on transcript NM_004393.6 (MANE Select); coding-DNA position 2023, G replaced by A.
Protein change: p.Ala675Thr; replaces alanine 675 with threonine.
Molecular consequence: missense variant.
Genome position (GRCh38, 1-based): chr3:49,532,534, G>A. VCF-style: chr3-49532534-G-A. GRCh37 (hg19) VCF-style: chr3-49569967-G-A.
Other names: c.2023G>A, p.Ala675Thr (NM_001177644.3, NM_001165928.4, NM_001177634.3 and 9 more transcripts); c.2023G>A (NM_004393.4); short protein forms A675T.
Identifiers: ClinVar variation 661282 (VCV000661282.6), dbSNP rs764063699, ClinGen allele CA2399190.